The following is an entry in ClinVar:

NM_001079866.2(BCS1L):c.413C>T (p.Thr138Met)

Gene: BCS1L (BCS1 ubiquinol-cytochrome c reductase complex chaperone; plus strand). Cytogenetic location: 2q35.
Variant type: single nucleotide variant.
Coding change: c.413C>T on transcript NM_001079866.2 (MANE Select); coding-DNA position 413, C replaced by T.
Protein change: p.Thr138Met; replaces threonine 138 with methionine.
Molecular consequence: missense variant. On other transcripts: 5 prime UTR variant (5), non-coding transcript variant (1), intron variant (1).
Genome position (GRCh38, 1-based): chr2:218,661,498, C>T. VCF-style: chr2-218661498-C-T. GRCh37 (hg19) VCF-style: chr2-219526221-C-T.
Other names: c.413C>T, p.Thr138Met (NM_001257342.2, NM_001257343.2, NM_001257344.2 and 10 more transcripts); c.53C>T, p.Thr18Met (NM_001318836.2, NM_001371451.1); c.-64C>T (NM_001371453.1, NM_001371454.1, NM_001371455.1 and 2 more transcripts); c.-41-261C>T (NM_001371452.1); short protein forms T138M, T18M.
Identifiers: ClinVar variation 551829 (VCV000551829.12), dbSNP rs775793638, ClinGen allele CA2109660.

ClinVar aggregate classification (germline): Conflicting classifications of pathogenicity. Review status: criteria provided, conflicting classifications (1 of 4 stars). 8 submissions from 8 submitters: Likely pathogenic (4); Uncertain significance (3). 1 of the submissions does not count toward it. Last evaluated 2026-06-25.

Conditions:
BCS1L-related disorder. Also called: BCS1L-related condition; BCS1L-related disorders. Identifiers: MedGen CN239240.
Mitochondrial complex III deficiency nuclear type 1. Identifiers: Orphanet 254902, MedGen C3541471, MONDO:0007415, OMIM 124000.
Pili torti-deafness syndrome (BJS). Also called: PILI TORTI AND NERVE DEAFNESS; Bjornstad syndrome. Identifiers: Orphanet 123, MedGen C0266006, MONDO:0009872, OMIM 262000.
GRACILE syndrome (FLNMS). Also called: FELLMAN SYNDROME; FINNISH LETHAL NEONATAL METABOLIC SYNDROME. Identifiers: Orphanet 53693, MedGen C1864002, MONDO:0011308, OMIM 603358.

Allele frequency attached by ClinVar (database versions not stated): TOPMed below 0.00001; gnomAD exomes 0.00001; ExAC 0.00002.

Submissions (8):

Myriad Genetics, Inc.
Classification: Uncertain significance for BCS1L-related disorder. Last evaluated: 2026-06-25. Review status: criteria provided, single submitter. Criteria: Myriad Autosomal Dominant, Autosomal Recessive and X-Linked Classification Criteria (2023). Collection method: clinical testing. Allele origin: unknown.
Comment: NM_004328.4(BCS1L):c.413C>T(T138M) is a missense variant classified as a variant of uncertain significance in the context of BCS1L-related disorders. T138M has been observed in cases with relevant disease (PMID: 34662929, 26489029, 33511646). Relevant functional assessments of this variant are not available in the literature. T138M has been observed in referenced population frequency databases. In summary, there is insufficient evidence to classify NM_004328.4(BCS1L):c.413C>T(T138M) as pathogenic or benign. Please note: this variant was assessed in the context of healthy population screening.

GeneDx
Classification: Likely pathogenic. Last evaluated: 2025-07-03. Review status: criteria provided, single submitter. Criteria: GeneDx Variant Classification Process June 2021. Collection method: clinical testing. Allele origin: germline. Affected: yes.
Comment: Not observed at significant frequency in large population cohorts (gnomAD); In silico analysis supports that this missense variant has a deleterious effect on protein structure/function; This variant is associated with the following publications: (PMID: 34662929, 26489029, 33511646)

Baylor Genetics
Classification: Likely pathogenic for Pili torti-deafness syndrome. Last evaluated: 2024-03-11. Review status: criteria provided, single submitter. Criteria: ACMG Guidelines, 2015. Collection method: clinical testing. Allele origin: unknown.

Women's Health and Genetics/Laboratory Corporation of America, LabCorp
Classification: Uncertain significance. Last evaluated: 2023-04-27. Review status: criteria provided, single submitter. Criteria: LabCorp Variant Classification Summary - May 2015. Collection method: clinical testing. Allele origin: germline.
Comment: Variant summary: BCS1L c.413C>T (p.Thr138Met) results in a non-conservative amino acid change located in the BCS1, N-terminal domain of the encoded protein sequence. Three of three in-silico tools predict a damaging effect of the variant on protein function. The variant allele was found at a frequency of 8e-06 in 251480 control chromosomes (gnomAD). The available data on variant occurrences in the general population are insufficient to allow any conclusion about variant significance. c.413C>T has been reported in the literature in individuals affected with Renal Tubulopathies or hypotonia/Leigh syndrome (Braun_2016, Loiselet_2021, Hikmat_2021). These data do not allow any conclusion about variant significance. To our knowledge, no experimental evidence demonstrating an impact on protein function has been reported. The following publications have been ascertained in the context of this evaluation (PMID: 26489029, 33511646, 34662929). Two ClinVar submitters (evaluation after 2014) cite this variant as uncertain significance. Based on the evidence outlined above, the variant was classified as uncertain significance.

Blueprint Genetics
Classification: Likely pathogenic for BCS1L-related disorders. Last evaluated: 2023-01-13. Review status: criteria provided, single submitter. Criteria: ACMG Guidelines, 2015. Collection method: clinical testing. Allele origin: germline. Affected: yes. Observed: 3 variant alleles.

Labcorp Genetics (formerly Invitae), Labcorp
Classification: Uncertain significance. Last evaluated: 2022-09-07. Review status: criteria provided, single submitter. Criteria: Invitae Variant Classification Sherloc (09022015). Collection method: clinical testing. Allele origin: germline.
Comment: In summary, the available evidence is currently insufficient to determine the role of this variant in disease. Therefore, it has been classified as a Variant of Uncertain Significance. Advanced modeling of protein sequence and biophysical properties (such as structural, functional, and spatial information, amino acid conservation, physicochemical variation, residue mobility, and thermodynamic stability) performed at Invitae indicates that this missense variant is expected to disrupt BCS1L protein function. ClinVar contains an entry for this variant (Variation ID: 551829). This missense change has been observed in individual(s) with BCS1L-related conditions (PMID: 26489029). This variant is present in population databases (rs775793638, gnomAD 0.007%). This sequence change replaces threonine, which is neutral and polar, with methionine, which is neutral and non-polar, at codon 138 of the BCS1L protein (p.Thr138Met).

Juno Genomics, Hangzhou Juno Genomics, Inc
Classification: Likely pathogenic for Pili torti-deafness syndrome; GRACILE syndrome; Mitochondrial complex III deficiency nuclear type 1. Review status: criteria provided, single submitter. Criteria: ACMG Guidelines, 2015. Collection method: clinical testing. Allele origin: germline.
Comment: Absent from controls (or at extremely low frequency if recessive) in Genome Aggregation Database.;Multiple lines of computational evidence support a deleterious effect on the gene or gene product.;For recessive disorders, detected in trans with a pathogenic variant.

Counsyl
Classification: Uncertain significance for GRACILE syndrome. Last evaluated: 2017-05-16. Review status: no assertion criteria provided. Collection method: clinical testing. Allele origin: unknown. Not counted in ClinVar's aggregate classification.

Literature cited by the submitters: PubMed 26489029 (cited by 4 submitters); PubMed 33511646 (cited by Myriad Genetics, Inc. and Women's Health and Genetics/Laboratory Corporation of America, LabCorp); PubMed 34662929 (cited by Myriad Genetics, Inc. and Women's Health and Genetics/Laboratory Corporation of America, LabCorp).